The following is an entry in ClinVar:

NM_002103.5(GYS1):c.1528G>A (p.Glu510Lys)

Gene: GYS1 (glycogen synthase 1; minus strand). Cytogenetic location: 19q13.33.
Variant type: single nucleotide variant.
Coding change: c.1528G>A on transcript NM_002103.5 (MANE Select); coding-DNA position 1528, G replaced by A.
Protein change: p.Glu510Lys; replaces glutamic acid 510 with lysine.
Molecular consequence: missense variant. On other transcripts: non-coding transcript variant (1).
Genome position (GRCh38, 1-based): chr19:48,974,234, C>T on the plus strand (G>A on the coding strand, the complement: GYS1 is on the minus strand). VCF-style: chr19-48974234-C-T. GRCh37 (hg19) VCF-style: chr19-49477491-C-T.
Other names: c.1528G>A (NM_002103.4); c.1336G>A, p.Glu446Lys (NM_001161587.2); short protein forms E446K, E510K.
Identifiers: ClinVar variation 1364451 (VCV001364451.8), dbSNP rs1400682175, ClinGen allele CA406761302.
Genomic context (GRCh38, chr19:48,974,234, plus strand): 5'-GATGCCATGACCACGCTGTCCCCTGCCCACTACACTCACCCGGTGTGTAGCCCCAAGGCT[C>T]ATAGTAGGAGGGGAAGACTCCAAGGTGACAGCCACGGACAAACTCCTCATAGTCCACAGG-3'
Protein context (NP_002094.2, residues 500-520): CHLGVFPSYY[Glu510Lys]PWGYTPAECT

ClinVar aggregate classification (germline): Uncertain significance. Review status: criteria provided, multiple submitters, no conflicts (2 of 4 stars). 3 submissions from 3 submitters: Uncertain significance (3). Last evaluated 2023-12-20.

Conditions:
Inborn genetic diseases. Identifiers: MedGen C0950123, MeSH D030342.
Glycogen storage disease due to muscle and heart glycogen synthase deficiency. Also called: GSD 0b; MUSCLE GLYCOGEN SYNTHASE DEFICIENCY. Identifiers: Orphanet 137625, MedGen C1969054, MONDO:0012693, OMIM 611556.

Allele frequency attached by ClinVar (database versions not stated): gnomAD exomes below 0.00001 and 0.00001.
gnomAD v4.1: 9 of 1,609,362 alleles (0.00056%); highest among the groups gnomAD compares: East Asian, 0.0022%; no homozygotes.

Submissions (3):

Ambry Genetics
Classification: Uncertain significance for Inborn genetic diseases. Last evaluated: 2023-12-20. Review status: criteria provided, single submitter. Criteria: Ambry Variant Classification Scheme 2023. Collection method: clinical testing. Allele origin: germline.

Labcorp Genetics (formerly Invitae), Labcorp
Classification: Uncertain significance for Glycogen storage disease due to muscle and heart glycogen synthase deficiency. Last evaluated: 2022-03-22. Review status: criteria provided, single submitter. Criteria: Invitae Variant Classification Sherloc (09022015). Collection method: clinical testing. Allele origin: germline.
Comment: This sequence change replaces glutamic acid, which is acidic and polar, with lysine, which is basic and polar, at codon 510 of the GYS1 protein (p.Glu510Lys). This variant is present in population databases (no rsID available, gnomAD 0.006%). In summary, the available evidence is currently insufficient to determine the role of this variant in disease. Therefore, it has been classified as a Variant of Uncertain Significance. Algorithms developed to predict the effect of missense changes on protein structure and function (SIFT, PolyPhen-2, Align-GVGD) all suggest that this variant is likely to be disruptive. This variant has not been reported in the literature in individuals affected with GYS1-related conditions.

Breakthrough Genomics
Classification: Uncertain significance. Review status: criteria provided, single submitter. Criteria: ACMG Guidelines, 2015. Collection method: not provided. Allele origin: germline. Inheritance: Autosomal dominant inheritance. Affected: yes.